The following is an entry in ClinVar:

ClinVar aggregate classification (germline): Conflicting classifications of pathogenicity. Review status: criteria provided, conflicting classifications (1 of 4 stars). 3 submissions from 3 submitters: Uncertain significance (1); Likely benign (2). Last evaluated 2025-09-01.

Conditions:
Cardiovascular phenotype. Identifiers: MedGen CN230736.
Long QT syndrome (LQTS). Identifiers: MedGen C0023976, MeSH D008133, MONDO:0002442. Disease mechanism: loss of function. Inheritance: Various modes of inheritance.

Allele frequency attached by ClinVar (database versions not stated): gnomAD below 0.00001 and 0.00003; TOPMed 0.00002; gnomAD exomes 0.00004 and 0.00009; ExAC 0.00010.
gnomAD v4.1: 71 of 1,614,100 alleles (0.0044%); highest among the groups gnomAD compares: South Asian, 0.059%; 1 homozygote.

Submissions (3):

Ambry Genetics
Classification: Likely benign for Cardiovascular phenotype. Last evaluated: 2025-09-01. Review status: criteria provided, single submitter. Criteria: Ambry Variant Classification Scheme 2023. Collection method: clinical testing. Allele origin: germline.

Labcorp Genetics (formerly Invitae), Labcorp
Classification: Uncertain significance for Long QT syndrome. Last evaluated: 2025-06-06. Review status: criteria provided, single submitter. Criteria: Invitae Variant Classification Sherloc (09022015). Collection method: clinical testing. Allele origin: germline.
Comment: This sequence change replaces lysine, which is basic and polar, with glutamic acid, which is acidic and polar, at codon 1661 of the ANK2 protein (p.Lys1661Glu). This variant is present in population databases (rs776676676, gnomAD 0.06%), and has an allele count higher than expected for a pathogenic variant. This variant has not been reported in the literature in individuals affected with ANK2-related conditions. ClinVar contains an entry for this variant (Variation ID: 1019548). An algorithm developed to predict the effect of missense changes on protein structure and function (PolyPhen-2) suggests that this variant is likely to be tolerated. In summary, the available evidence is currently insufficient to determine the role of this variant in disease. Therefore, it has been classified as a Variant of Uncertain Significance.

Laboratory of Genetics, Children's Clinical University Hospital Latvia
Classification: Likely benign. Last evaluated: 2025-02-16. Review status: criteria provided, single submitter. Criteria: ACMG Guidelines, 2015. Collection method: clinical testing. Allele origin: germline. Affected: yes.

NM_001148.6(ANK2):c.4981A>G (p.Lys1661Glu)

Gene: ANK2 (ankyrin 2; plus strand). Cytogenetic location: 4q26.
Variant type: single nucleotide variant.
Coding change: c.4981A>G on transcript NM_001148.6 (MANE Select); coding-DNA position 4981, A replaced by G.
Protein change: p.Lys1661Glu; replaces lysine 1661 with glutamic acid.
Molecular consequence: missense variant. On other transcripts: intron variant (68).
Genome position (GRCh38, 1-based): chr4:113,353,599, A>G. VCF-style: chr4-113353599-A-G. GRCh37 (hg19) VCF-style: chr4-114274755-A-G.
Other names: c.4747A>G, p.Lys1583Glu (NM_001386142.1); c.1381A>G, p.Lys461Glu (NM_001386166.1); c.5122A>G, p.Lys1708Glu (NM_001386174.1); c.5098A>G, p.Lys1700Glu (NM_001386175.1); c.4411+3350A>G (NM_001386186.2, NM_001386148.2); c.4213+3350A>G (NM_001354269.3); c.4291+3350A>G (NM_001386187.2); c.4252+3350A>G (NM_001386147.1); and 35 more; short protein forms K1583E, K1661E, K1700E, K1708E, K461E.
Identifiers: ClinVar variation 1019548 (VCV001019548.9), dbSNP rs776676676, ClinGen allele CA3051160.